The following is an entry in ClinVar:

ClinVar aggregate classification (germline): Pathogenic (1 of 4 stars; one submission).

Conditions:
Hereditary cancer-predisposing syndrome. Also called: Neoplastic Syndromes, Hereditary; Tumor predisposition; Hereditary Cancer Syndrome; Hereditary neoplastic syndrome. Identifiers: Orphanet 140162, MedGen C0027672, MeSH D009386, MONDO:0015356.

Submission:

Ambry Genetics
Classification: Pathogenic for Hereditary cancer-predisposing syndrome. Last evaluated: 2025-07-18. Review status: criteria provided, single submitter. Criteria: Ambry Variant Classification Scheme 2023. Collection method: clinical testing. Allele origin: germline.
Comment: The c.1695_1702delCCTGGAGC pathogenic mutation, located in coding exon 13 of the SDHA gene, results from a deletion of 8 nucleotides at nucleotide positions 1695 to 1702, causing a translational frameshift with a predicted alternate stop codon (p.L566Afs*34). This variant is considered to be rare based on population cohorts in the Genome Aggregation Database (gnomAD). This alteration is expected to result in loss of function by premature protein truncation or nonsense-mediated mRNA decay. As such, this alteration is interpreted as a disease-causing mutation.

NM_004168.4(SDHA):c.1695_1702del (p.Leu566fs)

Gene: SDHA (succinate dehydrogenase complex flavoprotein subunit A; plus strand). Cytogenetic location: 5p15.33.
Variant type: Deletion.
Coding change: c.1695_1702del on transcript NM_004168.4 (MANE Select); coding-DNA positions 1695 to 1702, 8 bases deleted (CCTGGAGC; older notation c.1695_1702delCCTGGAGC).
Protein change: p.Leu566fs; shifts the reading frame from leucine 566.
Molecular consequence: frameshift variant. On other transcripts: intron variant (1).
Genome position (GRCh38, 1-based): chr5:251,369-251,376, CCTGGAGC deleted; deleting any 8 consecutive bases within chr5:251,368-251,376 gives the same sequence; the c. name uses the placement nearest the transcript's 3' end. VCF-style (leftmost placement, unchanged base first): chr5-251367-ACCCTGGAG-A. GRCh37 (hg19) VCF-style: chr5-251482-ACCCTGGAG-A.
Other names: c.1551_1558del, p.Leu518fs (NM_001294332.2); c.1552-3024_1552-3017del (NM_001330758.2); short protein forms L566fs, L518fs.
Identifiers: ClinVar variation 4161190 (VCV004161190.1).